The following is an entry in ClinVar:

ClinVar aggregate classification (germline): Uncertain significance (1 of 4 stars; one submission).

Conditions:
Familial thoracic aortic aneurysm and aortic dissection (TAAD). Also called: Thoracic aortic aneurysms and dissections. Identifiers: Orphanet 91387, MedGen C4707243, MONDO:0019625.

Submission:

Ambry Genetics
Classification: Uncertain significance for Familial thoracic aortic aneurysm and aortic dissection. Last evaluated: 2024-04-19. Review status: criteria provided, single submitter. Criteria: Ambry Variant Classification Scheme 2023. Collection method: clinical testing. Allele origin: germline.
Comment: The p.I130S variant (also known as c.389T>G), located in coding exon 2 of the PRKG1 gene, results from a T to G substitution at nucleotide position 389. The isoleucine at codon 130 is replaced by serine, an amino acid with dissimilar properties. This amino acid position is conserved. In addition, this alteration is predicted to be deleterious by in silico analysis. Based on the available evidence, the clinical significance of this variant remains unclear.

NM_006258.4(PRKG1):c.389T>G (p.Ile130Ser)

Gene: PRKG1 (protein kinase cGMP-dependent 1; plus strand). Cytogenetic location: 10q21.1.
Variant type: single nucleotide variant.
Coding change: c.389T>G on transcript NM_006258.4 (MANE Select); coding-DNA position 389, T replaced by G.
Protein change: p.Ile130Ser; replaces isoleucine 130 with serine.
Molecular consequence: missense variant.
Genome position (GRCh38, 1-based): chr10:51,153,241, T>G. VCF-style: chr10-51153241-T-G. GRCh37 (hg19) VCF-style: chr10-52913001-T-G.
Other names: c.344T>G, p.Ile115Ser (NM_001098512.3); c.389T>G, p.Ile130Ser (NM_001374782.1); short protein forms I115S, I130S.
Identifiers: ClinVar variation 3310204 (VCV003310204.1).